The following is an entry in ClinVar:

NM_006019.4(TCIRG1):c.2269C>T (p.Arg757Cys)

Gene: TCIRG1 (T cell immune regulator 1, ATPase H+ transporting V0 subunit a3; plus strand). Cytogenetic location: 11q13.2.
Variant type: single nucleotide variant.
Coding change: c.2269C>T on transcript NM_006019.4 (MANE Select); coding-DNA position 2269, C replaced by T.
Protein change: p.Arg757Cys; replaces arginine 757 with cysteine.
Molecular consequence: missense variant.
Genome position (GRCh38, 1-based): chr11:68,050,519, C>T. VCF-style: chr11-68050519-C-T. GRCh37 (hg19) VCF-style: chr11-67817986-C-T.
Other names: c.1375C>T, p.Arg459Cys (NM_001351059.2); c.1621C>T, p.Arg541Cys (NM_006053.4); short protein forms R459C, R541C, R757C.
Identifiers: ClinVar variation 2419926 (VCV002419926.5), dbSNP rs142606750, ClinGen allele CA6147476.

ClinVar aggregate classification (germline): Uncertain significance (1 of 4 stars; one submission).

Allele frequency attached by ClinVar (database versions not stated): ExAC 0.00002; TOPMed 0.00002; ESP Exome Variant Server 0.00015.
gnomAD v4.1: 74 of 1,612,002 alleles (0.0046%); highest among the groups gnomAD compares: East Asian, 0.0089%; no homozygotes.

Submission:

Labcorp Genetics (formerly Invitae), Labcorp
Classification: Uncertain significance. Last evaluated: 2025-07-24. Review status: criteria provided, single submitter. Criteria: Invitae Variant Classification Sherloc (09022015). Collection method: clinical testing. Allele origin: germline.
Comment: This sequence change replaces arginine, which is basic and polar, with cysteine, which is neutral and slightly polar, at codon 757 of the TCIRG1 protein (p.Arg757Cys). This variant is present in population databases (rs142606750, gnomAD 0.02%). This variant has not been reported in the literature in individuals affected with TCIRG1-related conditions. ClinVar contains an entry for this variant (Variation ID: 2419926). Invitae Evidence Modeling of protein sequence and biophysical properties (such as structural, functional, and spatial information, amino acid conservation, physicochemical variation, residue mobility, and thermodynamic stability) indicates that this missense variant is not expected to disrupt TCIRG1 protein function with a negative predictive value of 80%. In summary, the available evidence is currently insufficient to determine the role of this variant in disease. Therefore, it has been classified as a Variant of Uncertain Significance.